The following is an entry in ClinVar:

ClinVar aggregate classification (germline): Uncertain significance (0 of 4 stars; one submission).

Conditions:
SKIC2-related disorder. Also called: SKIC2-related condition.

Allele frequency attached by ClinVar (database versions not stated): gnomAD 0.00001; gnomAD exomes 0.00001.
gnomAD v4.1: 13 of 1,605,944 alleles (0.00081%); highest among the groups gnomAD compares: East Asian, 0.0067%; no homozygotes.

Submission:

PreventionGenetics, part of Exact Sciences
Classification: Uncertain significance for SKIC2-related condition. Last evaluated: 2024-01-08. Review status: no assertion criteria provided. Collection method: clinical testing. Allele origin: germline.
Comment: The SKIC2 c.3703C>T variant is predicted to result in the amino acid substitution p.Arg1235Trp. To our knowledge, this variant has not been reported in the literature. This variant is reported in 0.010% of alleles in individuals of East Asian descent in gnomAD. At this time, the clinical significance of this variant is uncertain due to the absence of conclusive functional and genetic evidence.

NM_006929.5(SKIC2):c.3703C>T (p.Arg1235Trp)

Gene: SKIC2 (SKI2 subunit of superkiller complex; plus strand). Cytogenetic location: 6p21.33.
Variant type: single nucleotide variant.
Coding change: c.3703C>T on transcript NM_006929.5 (MANE Select); coding-DNA position 3703, C replaced by T.
Protein change: p.Arg1235Trp; replaces arginine 1235 with tryptophan.
Molecular consequence: missense variant.
Genome position (GRCh38, 1-based): chr6:31,969,677, C>T. VCF-style: chr6-31969677-C-T. GRCh37 (hg19) VCF-style: chr6-31937454-C-T.
Other names: short protein forms R1235W.
Identifiers: ClinVar variation 3029151 (VCV003029151.2), dbSNP rs1299713670, ClinGen allele CA363492344.
Genomic context (GRCh38, chr6:31,969,677, plus strand): 5'-CGCCTGGTAGGAGAGCCTGTGCTGGGTGCCAAGATGGAGACAGCGGCTACCTTGCTACGG[C>T]GGGACATCGTATTTGCGGCCAGCCTCTACACCCAGTGAATGCCCCATGTAAAAACATGAT-3'
Protein context (NP_008860.4, residues 1225-1245): KMETAATLLR[Arg1235Trp]DIVFAASLYT